The following is an entry in ClinVar:

ClinVar aggregate classification (germline): Uncertain significance (1 of 4 stars; one submission).

Conditions:
Genitopatellar syndrome (GTPTS). Also called: Genitopatellar syndrome (GPS); ABSENT PATELLAE, SCROTAL HYPOPLASIA, RENAL ANOMALIES, FACIAL DYSMORPHISM, AND MENTAL RETARDATION. Identifiers: Orphanet 85201, MedGen C1853566, MONDO:0011640, OMIM 606170.

Submission:

Labcorp Genetics (formerly Invitae), Labcorp
Classification: Uncertain significance for Genitopatellar syndrome. Last evaluated: 2023-11-27. Review status: criteria provided, single submitter. Criteria: Invitae Variant Classification Sherloc (09022015). Collection method: clinical testing. Allele origin: germline.
Comment: This sequence change creates a premature translational stop signal (p.Trp906*) in the KAT6B gene. However, it is currently unclear if variants that occur in this region of the gene cause disease. This variant is not present in population databases (gnomAD no frequency). This variant has not been reported in the literature in individuals affected with KAT6B-related conditions. In summary, the available evidence is currently insufficient to determine the role of this variant in disease. Therefore, it has been classified as a Variant of Uncertain Significance.

NM_012330.4(KAT6B):c.2717G>A (p.Trp906Ter)

Gene: KAT6B (lysine acetyltransferase 6B; plus strand). Cytogenetic location: 10q22.2.
Variant type: single nucleotide variant.
Coding change: c.2717G>A on transcript NM_012330.4 (MANE Select); coding-DNA position 2717, G replaced by A.
Protein change: p.Trp906Ter; replaces tryptophan 906 with a stop codon.
Molecular consequence: nonsense.
Genome position (GRCh38, 1-based): chr10:75,020,669, G>A. VCF-style: chr10-75020669-G-A. GRCh37 (hg19) VCF-style: chr10-76780427-G-A.
Other names: c.2168G>A, p.Trp723Ter (NM_001256468.2, NM_001370138.1); c.1841G>A, p.Trp614Ter (NM_001256469.2, NM_001370139.1, NM_001370140.1 and 2 more transcripts); c.1679G>A, p.Trp560Ter (NM_001370132.1); c.1028G>A, p.Trp343Ter (NM_001370133.1); c.632G>A, p.Trp211Ter (NM_001370134.1); c.374G>A, p.Trp125Ter (NM_001370135.1); c.2717G>A, p.Trp906Ter (NM_001370136.1, NM_001370137.1); c.1652G>A, p.Trp551Ter (NM_001370143.1, NM_001370144.1); short protein forms W343*, W614*, W560*, W551*, W906*, W125*, W211*, W723*.
Identifiers: ClinVar variation 2697365 (VCV002697365.3), dbSNP rs2549160853, ClinGen allele CA377280772.